The following is an entry in ClinVar:

NM_000020.3(ACVRL1):c.*935G>C

Gene: ACVRL1 (activin A receptor like type 1; plus strand). Cytogenetic location: 12q13.13.
Variant type: single nucleotide variant.
Coding change: c.*935G>C on transcript NM_000020.3 (MANE Select); 935 bases downstream of the stop codon, G replaced by C.
Molecular consequence: 3 prime UTR variant.
Genome position (GRCh38, 1-based): chr12:51,921,828, G>C. VCF-style: chr12-51921828-G-C. GRCh37 (hg19) VCF-style: chr12-52315612-G-C.
Other names: c.*935G>C (NM_001077401.2).
Identifiers: ClinVar variation 309460 (VCV000309460.5), dbSNP rs116740271, ClinGen allele CA10633150.

ClinVar aggregate classification (germline): Benign (1 of 4 stars; one submission).

Conditions:
Telangiectasia, hereditary hemorrhagic, type 2 (HHT2). Also called: ACVRL1-Related Hereditary Hemorrhagic Telangiectasia; Telangiectasia, hereditary hemorrhagic, type II. Identifiers: Orphanet 774, MedGen C1838163, MONDO:0010880, OMIM 600376. Disease mechanism: loss of function.

Allele frequency attached by ClinVar (database versions not stated): gnomAD 0.01121 and 0.01206; TOPMed 0.01159; 1000 Genomes Project 0.01238; 1000 Genomes Project 30x 0.01296.

Submission:

Illumina Laboratory Services, Illumina
Classification: Benign for Telangiectasia, hereditary hemorrhagic, type 2. Last evaluated: 2018-01-12. Review status: criteria provided, single submitter. Criteria: ICSL Variant Classification Criteria 13 December 2019. Collection method: clinical testing. Allele origin: germline.
Comment: This variant was observed in the ICSL laboratory as part of a predisposition screen in an ostensibly healthy population. It had not been previously curated by ICSL or reported in the Human Gene Mutation Database (HGMD: prior to June 1st, 2018), and was therefore a candidate for classification through an automated scoring system. Utilizing variant allele frequency, disease prevalence and penetrance estimates, and inheritance mode, an automated score was calculated to assess if this variant is too frequent to cause the disease. Based on the score and internal cut-off values, a variant classified as benign is not then subjected to further curation. The score for this variant resulted in a classification of benign for this disease.